The following is an entry in ClinVar:

ClinVar aggregate classification (germline): Benign. Review status: criteria provided, single submitter (1 of 4 stars). 2 submissions from 2 submitters: Benign (1). 1 of the submissions does not count toward it. Last evaluated 2025-01-01.

Conditions:
KMT2D-related disorder. Also called: KMT2D-Related Disorders.
Kabuki syndrome. Also called: NIIKAWA-KUROKI SYNDROME; Kabuki make-up syndrome. Identifiers: Orphanet 2322, MedGen C0796004, MONDO:0016512.

Allele frequency attached by ClinVar (database versions not stated): gnomAD exomes 0.00001; TOPMed 0.00002; gnomAD 0.00001; ExAC 0.00002.

Submissions (2):

Labcorp Genetics (formerly Invitae), Labcorp
Classification: Benign for Kabuki syndrome. Last evaluated: 2025-01-01. Review status: criteria provided, single submitter. Criteria: Invitae Variant Classification Sherloc (09022015). Collection method: clinical testing. Allele origin: germline.

PreventionGenetics, part of Exact Sciences
Classification: Uncertain significance for KMT2D-related condition. Last evaluated: 2024-09-23. Review status: no assertion criteria provided. Collection method: clinical testing. Allele origin: germline. Not counted in ClinVar's aggregate classification.
Comment: The KMT2D c.80G>A variant is predicted to result in the amino acid substitution p.Ser27Asn. To our knowledge, this variant has not been reported in the literature. This variant is reported in 0.0098% of alleles in individuals of South Asian descent in gnomAD. At this time, the clinical significance of this variant is uncertain due to the absence of conclusive functional and genetic evidence.

NM_003482.4(KMT2D):c.80G>A (p.Ser27Asn)

Gene: KMT2D (lysine methyltransferase 2D; minus strand). Cytogenetic location: 12q13.12.
Variant type: single nucleotide variant.
Coding change: c.80G>A on transcript NM_003482.4 (MANE Select); coding-DNA position 80, G replaced by A.
Protein change: p.Ser27Asn; replaces serine 27 with asparagine.
Molecular consequence: missense variant.
Genome position (GRCh38, 1-based): chr12:49,054,996, C>T on the plus strand (G>A on the coding strand, the complement: KMT2D is on the minus strand). VCF-style: chr12-49054996-C-T. GRCh37 (hg19) VCF-style: chr12-49448779-C-T.
Other names: short protein forms S27N.
Identifiers: ClinVar variation 2053753 (VCV002053753.5), dbSNP rs746049766, ClinGen allele CA6548798.